The following is an entry in ClinVar:

NM_000138.5(FBN1):c.3656dup (p.Tyr1219Ter)

Gene: FBN1 (fibrillin 1; minus strand). Cytogenetic location: 15q21.1.
Variant type: Duplication.
Coding change: c.3656dup on transcript NM_000138.5 (MANE Select); coding-DNA position 3656, one base duplicated (A; older notation c.3656dupA).
Protein change: p.Tyr1219Ter; replaces tyrosine 1219 with a stop codon.
Molecular consequence: nonsense.
Genome position (GRCh38, 1-based): chr15:48,485,430, T duplicated on the plus strand (A on the coding strand, the reverse complement: FBN1 is on the minus strand). VCF-style (leftmost placement, unchanged base first): chr15-48485429-A-AT. GRCh37 (hg19) VCF-style: chr15-48777626-A-AT.
Other names: c.3656dupA (NM_000138.4); short protein forms Y1219*.
Identifiers: ClinVar variation 527156 (VCV000527156.7), dbSNP rs1555398395, ClinGen allele CA658798370.

ClinVar aggregate classification (germline): Pathogenic. Review status: criteria provided, multiple submitters, no conflicts (2 of 4 stars). 2 submissions from 2 submitters: Pathogenic (2). Last evaluated 2025-04-14.

Conditions:
Familial thoracic aortic aneurysm and aortic dissection (TAAD). Also called: Thoracic aortic aneurysms and dissections. Identifiers: Orphanet 91387, MedGen C4707243, MONDO:0019625.
Marfan syndrome (MFS). Also called: Marfan syndrome type 1; Marfan syndrome, classic; Marfan's syndrome; FBN1-Related Marfan Syndrome; MARFAN SYNDROME, TYPE I. Identifiers: Orphanet 284963, Orphanet 558, MedGen C0024796, MONDO:0007947, OMIM 154700.

Submissions (2):

Ambry Genetics
Classification: Pathogenic for Familial thoracic aortic aneurysm and aortic dissection. Last evaluated: 2025-04-14. Review status: criteria provided, single submitter. Criteria: Ambry Variant Classification Scheme 2023. Collection method: clinical testing. Allele origin: germline.
Comment: The c.3656dupA pathogenic mutation, located in coding exon 29 of the FBN1 gene, results from a duplication of A at nucleotide position 3656, causing a translational frameshift with a predicted alternate stop codon (p.Y1219*). This variant was reported in individual(s) with features consistent with Marfan syndrome (Ambry internal data). This variant is considered to be rare based on population cohorts in the Genome Aggregation Database (gnomAD). This alteration is expected to result in loss of function by premature protein truncation or nonsense-mediated mRNA decay. As such, this alteration is interpreted as a disease-causing mutation.

Labcorp Genetics (formerly Invitae), Labcorp
Classification: Pathogenic for Marfan syndrome; Familial thoracic aortic aneurysm and aortic dissection. Last evaluated: 2017-09-06. Review status: criteria provided, single submitter. Criteria: Invitae Variant Classification Sherloc (09022015). Collection method: clinical testing. Allele origin: germline.
Comment: Loss-of-function variants in FBN1 are known to be pathogenic (PMID: 17657824, 19293843). For these reasons, this variant has been classified as Pathogenic. This variant has not been reported in the literature in individuals with FBN1-related disease. This variant is not present in population databases (ExAC no frequency). This sequence change creates a premature translational stop signal (p.Tyr1219*) in the FBN1 gene. It is expected to result in an absent or disrupted protein product.

Literature cited by the submitters: PubMed 17657824 (cited by Labcorp Genetics (formerly Invitae), Labcorp); PubMed 19293843 (cited by Labcorp Genetics (formerly Invitae), Labcorp).